The following is an entry in ClinVar:

NM_015135.3(NUP205):c.3430C>G (p.Leu1144Val)

Gene: NUP205 (nucleoporin 205; plus strand). Cytogenetic location: 7q33.
Variant type: single nucleotide variant.
Coding change: c.3430C>G on transcript NM_015135.3 (MANE Select); coding-DNA position 3430, C replaced by G.
Protein change: p.Leu1144Val; replaces leucine 1144 with valine.
Molecular consequence: missense variant.
Genome position (GRCh38, 1-based): chr7:135,616,035, C>G. VCF-style: chr7-135616035-C-G. GRCh37 (hg19) VCF-style: chr7-135300783-C-G.
Other names: c.2356C>G, p.Leu786Val (NM_001329434.2); short protein forms L786V, L1144V.
Identifiers: ClinVar variation 713473 (VCV000713473.14), dbSNP rs145671518, ClinGen allele CA4498590.
Genomic context (GRCh38, chr7:135,616,035, plus strand): 5'-CTAAGGGTAACCTCTCTGAATCGTCAGCGGTCACATACCCAGAGGCTCCTACACCTCTTA[C>G]TGGATGACATGCCAGTGAAACCATACTCAGGTGAGTATTAGTATTTGTTTTATTGTGCTG-3'
Protein context (NP_055950.2, residues 1134-1154): SHTQRLLHLL[Leu1144Val]DDMPVKPYSD

ClinVar aggregate classification (germline): Benign/Likely benign. Review status: criteria provided, multiple submitters, no conflicts (2 of 4 stars). 4 submissions from 4 submitters: Benign (3); Likely benign (1). Last evaluated 2026-02-01.

Allele frequency attached by ClinVar (database versions not stated): ESP Exome Variant Server 0.00046; gnomAD 0.00121 and 0.00157; TOPMed 0.00236; ExAC 0.00302; 1000 Genomes Project 30x 0.00375; 1000 Genomes Project 0.00439.
gnomAD v4.1: 1,995 of 1,613,688 alleles (0.12%); highest among the groups gnomAD compares: East Asian, 3%; 20 homozygotes.

Submissions (4):

CeGaT Center for Human Genetics Tuebingen
Classification: Benign. Last evaluated: 2026-02-01. Review status: criteria provided, single submitter. Criteria: CeGaT Center For Human Genetics Tuebingen Variant Classification Criteria Version 2. Collection method: clinical testing. Allele origin: germline. Affected: yes. Observed: 1 variant allele.
Comment: NUP205: BS1, BS2

Labcorp Genetics (formerly Invitae), Labcorp
Classification: Benign. Last evaluated: 2025-12-29. Review status: criteria provided, single submitter. Criteria: Invitae Variant Classification Sherloc (09022015). Collection method: clinical testing. Allele origin: germline.

GeneDx
Classification: Likely benign. Last evaluated: 2021-04-09. Review status: criteria provided, single submitter. Criteria: GeneDx Variant Classification Process June 2021. Collection method: clinical testing. Allele origin: germline. Affected: yes.
Comment: See Variant Classification Assertion Criteria.

Breakthrough Genomics
Classification: Benign. Review status: criteria provided, single submitter. Criteria: ACMG Guidelines, 2015. Collection method: not provided. Allele origin: germline. Inheritance: Autosomal recessive inheritance. Affected: yes.